The following is an entry in ClinVar:

ClinVar aggregate classification (germline): Benign (0 of 4 stars; one submission).

Conditions:
KDM2B-related disorder. Also called: KDM2B-related condition.

Allele frequency attached by ClinVar (database versions not stated): gnomAD exomes 0.00151; ExAC 0.00466; 1000 Genomes Project 0.01498; gnomAD 0.01611; 1000 Genomes Project 30x 0.01624; TOPMed 0.01776; ESP Exome Variant Server 0.01836.
gnomAD v4.1: 4,699 of 1,614,194 alleles (0.29%); highest among the groups gnomAD compares: African/African-American, 5.6%; 113 homozygotes.

Submission:

PreventionGenetics, part of Exact Sciences
Classification: Benign for KDM2B-related condition. Last evaluated: 2019-02-19. Review status: no assertion criteria provided. Collection method: clinical testing. Allele origin: germline.
Comment: This variant is classified as benign based on ACMG/AMP sequence variant interpretation guidelines (Richards et al. 2015 PMID: 25741868, with internal and published modifications).

NM_032590.5(KDM2B):c.3750C>T (p.His1250=)

Gene: KDM2B (lysine demethylase 2B; minus strand). Cytogenetic location: 12q24.31.
Variant type: single nucleotide variant.
Coding change: c.3750C>T on transcript NM_032590.5 (MANE Select); coding-DNA position 3750, C replaced by T.
Protein change: p.His1250=; no amino-acid change (histidine 1250 retained).
Molecular consequence: synonymous variant.
Genome position (GRCh38, 1-based): chr12:121,439,936, G>A on the plus strand (C>T on the coding strand, the complement: KDM2B is on the minus strand). VCF-style: chr12-121439936-G-A. GRCh37 (hg19) VCF-style: chr12-121877739-G-A.
Other names: c.3543C>T, p.His1181= (NM_001005366.2).
Identifiers: ClinVar variation 3038962 (VCV003038962.2), dbSNP rs35674891, ClinGen allele CA6836143.
Genomic context (GRCh38, chr12:121,439,936, plus strand): 5'-TAAGGAGTCTCGGGTGGTGGTGCCAACAGCAGTGAGCAGGTTGATAGACTGGTCGGTGAC[G>A]TGGTTACAGTAACTGAGGTGGAGCTTGGAGAGCAGGGGCATGTGGCGGATGATGAGCCGC-3'
Protein context (NP_115979.3, residues 1240-1260): LSKLHLSYCN[His1250=]VTDQSINLLT